The following is an entry in ClinVar:

ClinVar aggregate classification (germline): Likely benign. Review status: criteria provided, multiple submitters, no conflicts (2 of 4 stars). 6 submissions from 6 submitters: Likely benign (4). 2 of the submissions do not count toward it. Last evaluated 2026-06-29.

Conditions:
COL4A1-related disorder. Also called: COL4A1-related condition; COL4A1-related disorders. Identifiers: MedGen CN376119, MONDO:0800461.

Allele frequency attached by ClinVar (database versions not stated): ExAC 0.00002; gnomAD exomes 0.00002; TOPMed 0.00005; gnomAD 0.00009 and 0.00011; ESP Exome Variant Server 0.00015.
gnomAD v4.1: 44 of 1,613,902 alleles (0.0027%); highest among the groups gnomAD compares: African/African-American, 0.021%; no homozygotes.

Submissions (6):

Women's Health and Genetics/Laboratory Corporation of America, LabCorp
Classification: Likely benign. Last evaluated: 2026-06-29. Review status: criteria provided, single submitter. Criteria: LabCorp Variant Classification Summary - May 2015. Collection method: clinical testing. Allele origin: germline.

PreventionGenetics, part of Exact Sciences
Classification: Likely benign for COL4A1-related condition. Last evaluated: 2025-09-16. Review status: criteria provided, single submitter. Criteria: ACMG Guidelines, 2015. Collection method: clinical testing. Allele origin: germline.
Comment: This variant is classified as likely benign based on ACMG/AMP sequence variant interpretation guidelines (Richards et al. 2015 PMID: 25741868, with internal and published modifications).

Labcorp Genetics (formerly Invitae), Labcorp
Classification: Likely benign. Last evaluated: 2025-07-01. Review status: criteria provided, single submitter. Criteria: Invitae Variant Classification Sherloc (09022015). Collection method: clinical testing. Allele origin: germline.

GeneDx
Classification: Likely benign. Last evaluated: 2021-04-29. Review status: criteria provided, single submitter. Criteria: GeneDx Variant Classification Process June 2021. Collection method: clinical testing. Allele origin: germline. Affected: yes.

Clinical Genetics DNA and cytogenetics Diagnostics Lab, Erasmus MC, Erasmus Medical Center
Classification: Likely benign. Review status: no assertion criteria provided. Collection method: clinical testing. Allele origin: germline. Affected: yes. Study: VKGL Data-share Consensus. Not counted in ClinVar's aggregate classification.

Genome Diagnostics Laboratory, University Medical Center Utrecht
Classification: Likely benign. Review status: no assertion criteria provided. Collection method: clinical testing. Allele origin: germline. Affected: yes. Study: VKGL Data-share Consensus. Not counted in ClinVar's aggregate classification.

NM_001845.6(COL4A1):c.2316C>T (p.Ile772=)

Gene: COL4A1 (collagen type IV alpha 1 chain; minus strand). Cytogenetic location: 13q34.
Variant type: single nucleotide variant.
Coding change: c.2316C>T on transcript NM_001845.6 (MANE Select); coding-DNA position 2316, C replaced by T.
Protein change: p.Ile772=; no amino-acid change (isoleucine 772 retained).
Molecular consequence: synonymous variant.
Genome position (GRCh38, 1-based): chr13:110,179,299, G>A on the plus strand (C>T on the coding strand, the complement: COL4A1 is on the minus strand). VCF-style: chr13-110179299-G-A. GRCh37 (hg19) VCF-style: chr13-110831646-G-A.
Other names: c.2316C>T (NM_001845.5).
Identifiers: ClinVar variation 1285191 (VCV001285191.13), dbSNP rs377593990, ClinGen allele CA7047641.
Genomic context (GRCh38, chr13:110,179,299, plus strand): 5'-GAAACCCTCCAGACTGATCTGCATGAAGTTACCTCTGATCCCCTGAAGCCCAGGGGGTCC[G>A]ATCGCTCCATGTTCTCCAGGAACGCCTGGTACCCCAATGCTCCCCTTCTCCCCGGGTGTG-3'
Protein context (NP_001836.3, residues 762-782): VPGVPGEHGA[Ile772=]GPPGLQGIRG